The following is an entry in ClinVar:

NM_001687.5(ATP5F1D):c.440_442del (p.Glu147del)

Genes: ATP5F1D (ATP synthase F1 subunit delta; plus strand), LOC130062904 (ATAC-STARR-seq lymphoblastoid silent region 9674; plus strand). Cytogenetic location: 19p13.3.
Variant type: Deletion.
Coding change: c.440_442del on transcript NM_001687.5 (MANE Select); coding-DNA positions 440 to 442, 3 bases deleted (AGG; older notation c.440_442delAGG).
Protein change: p.Glu147del; deletes glutamic acid 147.
Molecular consequence: inframe deletion.
Genome position (GRCh38, 1-based): chr19:1,244,370-1,244,372, AGG deleted; deleting any 3 consecutive bases within chr19:1,244,369-1,244,372 gives the same sequence; the c. name uses the placement nearest the transcript's 3' end. VCF-style (leftmost placement, unchanged base first): chr19-1244368-CGAG-C. GRCh37 (hg19) VCF-style: chr19-1244367-CGAG-C.
Other names: c.440_442del, p.Glu147del (NM_001001975.2); short protein forms E147del.
Identifiers: ClinVar variation 1930309 (VCV001930309.5), dbSNP rs1019507942, ClinGen allele CA304014344.

ClinVar aggregate classification (germline): Uncertain significance (1 of 4 stars; one submission).

Submission:

Labcorp Genetics (formerly Invitae), Labcorp
Classification: Uncertain significance. Last evaluated: 2022-08-19. Review status: criteria provided, single submitter. Criteria: Invitae Variant Classification Sherloc (09022015). Collection method: clinical testing. Allele origin: germline.
Comment: This variant has not been reported in the literature in individuals affected with ATP5D-related conditions. In summary, the available evidence is currently insufficient to determine the role of this variant in disease. Therefore, it has been classified as a Variant of Uncertain Significance. Experimental studies and prediction algorithms are not available or were not evaluated, and the functional significance of this variant is currently unknown. This variant is not present in population databases (gnomAD no frequency). This variant, c.440_442del, results in the deletion of 1 amino acid(s) of the ATP5D protein (p.Glu147del), but otherwise preserves the integrity of the reading frame.